The following is an entry in ClinVar:

NM_001367561.1(DOCK7):c.2437C>G (p.Leu813Val)

Gene: DOCK7 (dedicator of cytokinesis 7; minus strand). Cytogenetic location: 1p31.3.
Variant type: single nucleotide variant.
Coding change: c.2437C>G on transcript NM_001367561.1 (MANE Select); coding-DNA position 2437, C replaced by G.
Protein change: p.Leu813Val; replaces leucine 813 with valine.
Molecular consequence: missense variant.
Genome position (GRCh38, 1-based): chr1:62,555,984, G>C on the plus strand (C>G on the coding strand, the complement: DOCK7 is on the minus strand). VCF-style: chr1-62555984-G-C. GRCh37 (hg19) VCF-style: chr1-63021655-G-C.
Other names: c.2437C>G, p.Leu813Val (NM_001271999.2, NM_001272000.2, NM_001272001.2 and 2 more transcripts); short protein forms L813V.
Identifiers: ClinVar variation 1058574 (VCV001058574.9), dbSNP rs1456672988, ClinGen allele CA340624009.

ClinVar aggregate classification (germline): Uncertain significance (1 of 4 stars; one submission).

Conditions:
Developmental and epileptic encephalopathy, 23 (DEE23). Also called: Epileptic encephalopathy, early infantile, 23. Identifiers: Orphanet 411986, MedGen C4014492, MONDO:0014371, OMIM 615859.

Allele frequency attached by ClinVar (database versions not stated): gnomAD exomes below 0.00001.
gnomAD v4.1: 1 of 1,612,334 alleles (0.000062%); highest among the groups gnomAD compares: Non-Finnish European, 0.000085%; no homozygotes.

Submission:

Labcorp Genetics (formerly Invitae), Labcorp
Classification: Uncertain significance for Developmental and epileptic encephalopathy, 23. Last evaluated: 2020-10-03. Review status: criteria provided, single submitter. Criteria: Invitae Variant Classification Sherloc (09022015). Collection method: clinical testing. Allele origin: germline.
Comment: This variant has not been reported in the literature in individuals with DOCK7-related conditions. In summary, the available evidence is currently insufficient to determine the role of this variant in disease. Therefore, it has been classified as a Variant of Uncertain Significance. Algorithms developed to predict the effect of sequence changes on RNA splicing suggest that this variant may create or strengthen a splice site, but this prediction has not been confirmed by published transcriptional studies. Algorithms developed to predict the effect of missense changes on protein structure and function are either unavailable or do not agree on the potential impact of this missense change (SIFT: "Deleterious"; PolyPhen-2: "Benign"; Align-GVGD: "Class C0"). This variant is not present in population databases (ExAC no frequency). This sequence change replaces leucine with valine at codon 813 of the DOCK7 protein (p.Leu813Val). The leucine residue is highly conserved and there is a small physicochemical difference between leucine and valine.